The following is an entry in ClinVar:

NM_001903.5(CTNNA1):c.2587G>A (p.Ala863Thr)

Gene: CTNNA1 (catenin alpha 1; plus strand). Cytogenetic location: 5q31.2.
Variant type: single nucleotide variant.
Coding change: c.2587G>A on transcript NM_001903.5 (MANE Select); coding-DNA position 2587, G replaced by A.
Protein change: p.Ala863Thr; replaces alanine 863 with threonine.
Molecular consequence: missense variant. On other transcripts: 3 prime UTR variant (5).
Genome position (GRCh38, 1-based): chr5:138,933,955, G>A. VCF-style: chr5-138933955-G-A. GRCh37 (hg19) VCF-style: chr5-138269644-G-A.
Other names: c.1138G>A, p.Ala380Thr (NM_001324008.1, NM_001324009.1, NM_001324010.1 and 2 more transcripts); c.1384G>A, p.Ala462Thr (NM_001324011.1); c.1234G>A, p.Ala412Thr (NM_001324012.1, NM_001324013.1); c.*132G>A (NM_001290307.3, NM_001324002.1, NM_001324003.1 and 2 more transcripts); c.2278G>A, p.Ala760Thr (NM_001290309.3); c.2218G>A, p.Ala740Thr (NM_001290310.3); c.1477G>A, p.Ala493Thr (NM_001290312.1, NM_001323987.1, NM_001323988.1 and 12 more transcripts); c.2587G>A, p.Ala863Thr (NM_001323982.2, NM_001323983.1, NM_001323984.2); and 3 more; short protein forms A380T, A462T, A493T, A854T, A863T, A412T, A740T, A760T.
Identifiers: ClinVar variation 1429751 (VCV001429751.8), dbSNP rs2150359486, ClinGen allele CA361135544.
Genomic context (GRCh38, chr5:138,933,955, plus strand): 5'-TACCAAAAGTCACAGGGTATGGCTTCCCTCAACCTTCCTGCTGTGTCATGGAAGATGAAG[G>A]CACCAGAGAAAAAGCCATTGGTGAAGAGAGAGAAACAGGATGAGACACAGACCAAGATTA-3'
Protein context (NP_001894.2, residues 853-873): NLPAVSWKMK[Ala863Thr]PEKKPLVKRE

ClinVar aggregate classification (germline): Uncertain significance (1 of 4 stars; one submission).

Submission:

Labcorp Genetics (formerly Invitae), Labcorp
Classification: Uncertain significance. Last evaluated: 2020-12-29. Review status: criteria provided, single submitter. Criteria: Invitae Variant Classification Sherloc (09022015). Collection method: clinical testing. Allele origin: germline.
Comment: In summary, the available evidence is currently insufficient to determine the role of this variant in disease. Therefore, it has been classified as a Variant of Uncertain Significance. Algorithms developed to predict the effect of missense changes on protein structure and function are either unavailable or do not agree on the potential impact of this missense change (SIFT: "Deleterious"; PolyPhen-2: "Possibly Damaging"; Align-GVGD: "Class C0"). This variant has not been reported in the literature in individuals with CTNNA1-related conditions. This variant is not present in population databases (ExAC no frequency). This sequence change replaces alanine with threonine at codon 863 of the CTNNA1 protein (p.Ala863Thr). The alanine residue is highly conserved and there is a small physicochemical difference between alanine and threonine.